The following is an entry in ClinVar:

NM_002485.5(NBN):c.994+6T>C

Gene: NBN (nibrin; minus strand). Cytogenetic location: 8q21.3.
Variant type: single nucleotide variant.
Coding change: c.994+6T>C on transcript NM_002485.5 (MANE Select); 6 bases into the intron after coding-DNA position 994, T replaced by C.
Molecular consequence: intron variant.
Genome position (GRCh38, 1-based): chr8:89,964,404, A>G on the plus strand (T>C on the coding strand, the complement: NBN is on the minus strand). VCF-style: chr8-89964404-A-G. GRCh37 (hg19) VCF-style: chr8-90976632-A-G.
Other names: c.748+6T>C (NM_001024688.3).
Identifiers: ClinVar variation 1040772 (VCV001040772.6), dbSNP rs1811141291, ClinGen allele CA1801496602.

ClinVar aggregate classification (germline): Uncertain significance (1 of 4 stars; one submission).

Conditions:
Microcephaly, normal intelligence and immunodeficiency (NBS). Also called: Nijmegen breakage syndrome; Microcephaly with normal intelligence immunodeficiency and lymphoreticular malignancies; Nonsyndromal microcephaly autosomal recessive with normal intelligence; Seemanova syndrome 2; Ataxia telangiectasia variant V1; SEEMANOVA SYNDROME II. Identifiers: Orphanet 647, MedGen C0398791, MONDO:0009623, OMIM 251260.

Submission:

Labcorp Genetics (formerly Invitae), Labcorp
Classification: Uncertain significance for Microcephaly, normal intelligence and immunodeficiency. Last evaluated: 2020-10-09. Review status: criteria provided, single submitter. Criteria: Invitae Variant Classification Sherloc (09022015). Collection method: clinical testing. Allele origin: germline.
Comment: In summary, the available evidence is currently insufficient to determine the role of this variant in disease. Therefore, it has been classified as a Variant of Uncertain Significance. Nucleotide substitutions within the consensus splice site are a relatively common cause of aberrant splicing (PMID: 17576681, 9536098). Algorithms developed to predict the effect of sequence changes on RNA splicing suggest that this variant may disrupt the consensus splice site, but this prediction has not been confirmed by published transcriptional studies. This variant has not been reported in the literature in individuals with NBN-related conditions. This variant is not present in population databases (ExAC no frequency). This sequence change falls in intron 8 of the NBN gene. It does not directly change the encoded amino acid sequence of the NBN protein, but it affects a nucleotide within the consensus splice site of the intron.

Literature cited by the submitters: PubMed 17576681; PubMed 9536098.